The following is an entry in ClinVar:

NM_000834.5(GRIN2B):c.1316G>A (p.Arg439His)

Gene: GRIN2B (glutamate ionotropic receptor NMDA type subunit 2B; minus strand). Cytogenetic location: 12p13.1.
Variant type: single nucleotide variant.
Coding change: c.1316G>A on transcript NM_000834.5 (MANE Select); coding-DNA position 1316, G replaced by A.
Protein change: p.Arg439His; replaces arginine 439 with histidine.
Molecular consequence: missense variant.
Genome position (GRCh38, 1-based): chr12:13,616,467, C>T on the plus strand (G>A on the coding strand, the complement: GRIN2B is on the minus strand). VCF-style: chr12-13616467-C-T. GRCh37 (hg19) VCF-style: chr12-13769401-C-T.
Other names: short protein forms R439H.
Identifiers: ClinVar variation 432446 (VCV000432446.8), dbSNP rs752720799, ClinGen allele CA6461273.

ClinVar aggregate classification (germline): Benign/Likely benign. Review status: criteria provided, multiple submitters, no conflicts (2 of 4 stars). 2 submissions from 2 submitters: Benign (1); Likely benign (1). Last evaluated 2025-07-21.

Conditions:
Intellectual developmental disorder, autosomal dominant 6, with or without seizures. Also called: GRIN2B-related developmental delay, intellectual disability and autism spectrum disorder; Intellectual disability, autosomal dominant 6. Identifiers: Orphanet 589547, MedGen C3151411, MONDO:0013509, OMIM 613970.
Developmental and epileptic encephalopathy, 27 (DEE27). Also called: Epileptic encephalopathy, early infantile, 27; GRIN2B-Related Neurodevelopmental Disorder. Identifiers: Orphanet 3451, MedGen C4015316, MONDO:0014505, OMIM 616139.

Allele frequency attached by ClinVar (database versions not stated): gnomAD 0.00003; ExAC 0.00002; gnomAD exomes below 0.00001; TOPMed 0.00002.
gnomAD v4.1: 16 of 1,612,702 alleles (0.00099%); highest among the groups gnomAD compares: East Asian, 0.0022%; no homozygotes.

Submissions (2):

Labcorp Genetics (formerly Invitae), Labcorp
Classification: Benign for Developmental and epileptic encephalopathy, 27; Intellectual developmental disorder, autosomal dominant 6, with or without seizures. Last evaluated: 2025-07-21. Review status: criteria provided, single submitter. Criteria: Invitae Variant Classification Sherloc (09022015). Collection method: clinical testing. Allele origin: germline.

GeneDx
Classification: Likely benign. Last evaluated: 2021-12-14. Review status: criteria provided, single submitter. Criteria: GeneDx Variant Classification Process June 2021. Collection method: clinical testing. Allele origin: germline. Affected: yes.
Comment: In silico analysis supports that this missense variant does not alter protein structure/function; Has not been previously published as pathogenic or benign to our knowledge; This variant is associated with the following publications: (PMID: 27839871)